The following is an entry in ClinVar:

ClinVar aggregate classification (germline): Uncertain significance. Review status: criteria provided, multiple submitters, no conflicts (2 of 4 stars). 3 submissions from 3 submitters: Uncertain significance (3). Last evaluated 2026-05-01.

Conditions:
Intellectual developmental disorder, X-linked, syndromic, Claes-Jensen type. Also called: INTELLECTUAL DEVELOPMENTAL DISORDER, X-LINKED, SYNDROMIC 16; MENTAL RETARDATION, X-LINKED, SYNDROMIC 16; Syndromic X-linked intellectual disability Claes-Jensen type. Identifiers: Orphanet 85279, MedGen C1845243, MONDO:0010355, OMIM 300534.

Allele frequency attached by ClinVar (database versions not stated): gnomAD exomes 0.00001.

Submissions (3):

CeGaT Center for Human Genetics Tuebingen
Classification: Uncertain significance. Last evaluated: 2026-05-01. Review status: criteria provided, single submitter. Criteria: CeGaT Center For Human Genetics Tuebingen Variant Classification Criteria Version 2. Collection method: clinical testing. Allele origin: germline. Affected: yes. Observed: 1 variant allele.

New York Genome Center
Classification: Uncertain significance for Intellectual developmental disorder, X-linked, syndromic, Claes-Jensen type. Last evaluated: 2020-06-19. Review status: criteria provided, single submitter. Criteria: NYGC Assertion Criteria 2020. Collection method: clinical testing. Allele origin: inherited. Observed: 1 hemizygote. Study: CSER-NYCKidSeq.
Comment: The hemizygous inherited c.4514C>T (p.Pro1505Leu) variant identified in the KDM5C gene substitutes a moderately conserved Proline for Leucine at amino acid 1505/1558 (transcript NM_001353978.3). This variant is absent from gnomAD (v3.0) suggesting it is not a common benign variant in the populations represented in that database. In silico algorithms predict this variant to be Neutral (Provean; score: -0.31) and Tolerated (SIFT; score:0.957) to the function of the canonical transcript. This variant is absent from ClinVar and to our current knowledge has not been reported in affected individuals in the literature. The Pro1505 residue is not within a mapped domain of KDM5C (UniProtKB:P41229). Given the lack of compelling evidence for its pathogenicity, the hemizygous inherited c.4514C>T (p.Pro1505Leu) variant identified in the KDM5C gene is reported here as a Variant of UncertainSignificance.

GeneDx
Classification: Uncertain significance. Last evaluated: 2019-09-04. Review status: criteria provided, single submitter. Criteria: GeneDx Variant Classification Process June 2021. Collection method: clinical testing. Allele origin: germline. Affected: yes.
Comment: In silico analysis, which includes protein predictors and evolutionary conservation, supports that this variant does not alter protein structure/function; Has not been previously published as pathogenic or benign to our knowledge

NM_004187.5(KDM5C):c.4523C>T (p.Pro1508Leu)

Gene: KDM5C (lysine demethylase 5C; minus strand). Cytogenetic location: Xp11.22.
Variant type: single nucleotide variant.
Coding change: c.4523C>T on transcript NM_004187.5 (MANE Select); coding-DNA position 4523, C replaced by T.
Protein change: p.Pro1508Leu; replaces proline 1508 with leucine.
Molecular consequence: missense variant. On other transcripts: intron variant (5).
Genome position (GRCh38, 1-based): chrX:53,193,127, G>A on the plus strand (C>T on the coding strand, the complement: KDM5C is on the minus strand). VCF-style: chrX-53193127-G-A. GRCh37 (hg19) VCF-style: chrX-53222309-G-A.
Other names: c.4520C>T, p.Pro1507Leu (NM_001282622.3); c.4514C>T, p.Pro1505Leu (NM_001353978.3); c.4305+310C>T (NM_001353982.2); c.4314+310C>T (NM_001353979.2); c.4308+310C>T (NM_001353981.2, NM_001353984.2); c.4047-290C>T (NM_001146702.2); short protein forms P1505L, P1507L, P1508L.
Identifiers: ClinVar variation 1098577 (VCV001098577.5), dbSNP rs1556832305, ClinGen allele CA413102550.